The following is an entry in ClinVar:

NM_006160.4(NEUROD2):c.173T>C (p.Val58Ala)

Gene: NEUROD2 (neuronal differentiation 2; minus strand). Cytogenetic location: 17q12.
Variant type: single nucleotide variant.
Coding change: c.173T>C on transcript NM_006160.4 (MANE Select); coding-DNA position 173, T replaced by C.
Protein change: p.Val58Ala; replaces valine 58 with alanine.
Molecular consequence: missense variant.
Genome position (GRCh38, 1-based): chr17:39,606,427, A>G on the plus strand (T>C on the coding strand, the complement: NEUROD2 is on the minus strand). VCF-style: chr17-39606427-A-G. GRCh37 (hg19) VCF-style: chr17-37762680-A-G.
Other names: c.173T>C (NM_006160.3); short protein forms V58A.
Identifiers: ClinVar variation 1701319 (VCV001701319.33), dbSNP rs748701495, ClinGen allele CA8531856.

ClinVar aggregate classification (germline): Likely benign. Review status: criteria provided, multiple submitters, no conflicts (2 of 4 stars). 3 submissions from 3 submitters: Likely benign (3). Last evaluated 2025-10-01.

Conditions:
Inborn genetic diseases. Identifiers: MedGen C0950123, MeSH D030342.

Allele frequency attached by ClinVar (database versions not stated): gnomAD 0.00001; TOPMed 0.00005; ExAC 0.00007; gnomAD exomes 0.00008.
gnomAD v4.1: 51 of 1,528,480 alleles (0.0033%); highest among the groups gnomAD compares: Middle Eastern, 0.2%; 1 homozygote.

Submissions (3):

CeGaT Center for Human Genetics Tuebingen
Classification: Likely benign. Last evaluated: 2025-10-01. Review status: criteria provided, single submitter. Criteria: CeGaT Center For Human Genetics Tuebingen Variant Classification Criteria Version 2. Collection method: clinical testing. Allele origin: germline. Affected: yes. Observed: 4 variant alleles.
Comment: NEUROD2: PP2, PP3, BS2

Ambry Genetics
Classification: Likely benign for Inborn genetic diseases. Last evaluated: 2025-02-24. Review status: criteria provided, single submitter. Criteria: Ambry Variant Classification Scheme 2023. Collection method: clinical testing. Allele origin: germline.

Blueprint Genetics
Classification: Likely benign. Last evaluated: 2024-11-26. Review status: criteria provided, single submitter. Criteria: ACMG Guidelines, 2015. Collection method: clinical testing. Allele origin: germline.